The following is an entry in ClinVar:

NM_013275.6(ANKRD11):c.7806+4G>C

Gene: ANKRD11 (ankyrin repeat domain 11; minus strand). Cytogenetic location: 16q24.3.
Variant type: single nucleotide variant.
Coding change: c.7806+4G>C on transcript NM_013275.6 (MANE Select); 4 bases into the intron after coding-DNA position 7806, G replaced by C.
Molecular consequence: intron variant.
Genome position (GRCh38, 1-based): chr16:89,270,813, C>G on the plus strand (G>C on the coding strand, the complement: ANKRD11 is on the minus strand). VCF-style: chr16-89270813-C-G. GRCh37 (hg19) VCF-style: chr16-89337221-C-G.
Other names: c.7806+4G>C (NM_001256183.2, NM_001256182.2).
Identifiers: ClinVar variation 2900246 (VCV002900246.3), dbSNP rs373180876, ClinGen allele CA980391008.

ClinVar aggregate classification (germline): Uncertain significance (1 of 4 stars; one submission).

Conditions:
KBG syndrome (KBGS). Also called: ANKRD11-Related KBG Syndrome. Identifiers: Orphanet 2332, MedGen C0220687, MONDO:0007846, OMIM 148050.

Submission:

Labcorp Genetics (formerly Invitae), Labcorp
Classification: Uncertain significance for KBG syndrome. Last evaluated: 2023-08-08. Review status: criteria provided, single submitter. Criteria: Invitae Variant Classification Sherloc (09022015). Collection method: clinical testing. Allele origin: germline.
Comment: This sequence change falls in intron 12 of the ANKRD11 gene. It does not directly change the encoded amino acid sequence of the ANKRD11 protein. It affects a nucleotide within the consensus splice site. This variant is not present in population databases (gnomAD no frequency). This variant has not been reported in the literature in individuals affected with ANKRD11-related conditions. Variants that disrupt the consensus splice site are a relatively common cause of aberrant splicing (PMID: 17576681, 9536098). Algorithms developed to predict the effect of sequence changes on RNA splicing suggest that this variant is not likely to affect RNA splicing. In summary, the available evidence is currently insufficient to determine the role of this variant in disease. Therefore, it has been classified as a Variant of Uncertain Significance.

Literature cited by the submitters: PubMed 17576681; PubMed 9536098.